The following is an entry in ClinVar:

NM_002485.5(NBN):c.397T>C (p.Leu133=)

Gene: NBN (nibrin; minus strand). Cytogenetic location: 8q21.3.
Variant type: single nucleotide variant.
Coding change: c.397T>C on transcript NM_002485.5 (MANE Select); coding-DNA position 397, T replaced by C.
Protein change: p.Leu133=; no amino-acid change (leucine 133 retained).
Molecular consequence: synonymous variant.
Genome position (GRCh38, 1-based): chr8:89,980,817, A>G on the plus strand (T>C on the coding strand, the complement: NBN is on the minus strand). VCF-style: chr8-89980817-A-G. GRCh37 (hg19) VCF-style: chr8-90993045-A-G.
Other names: c.151T>C, p.Leu51= (NM_001024688.3).
Identifiers: ClinVar variation 481830 (VCV000481830.15), dbSNP rs1229464840, ClinGen allele CA461831376.
Genomic context (GRCh38, chr8:89,980,817, plus strand): 5'-CCATGACAAGGTGAGTGCATTCTTCTGTCCAATTGTTTACAGTAAATCCTCCAAGTTGCA[A>G]TATAGCTTGATTTAAAGCAGTTTTCCCAGAGACATCTAAACAAGAAGAGCATGCAACCAA-3'
Protein context (NP_002476.2, residues 123-143): SGKTALNQAI[Leu133=]QLGGFTVNNW

ClinVar aggregate classification (germline): Likely benign. Review status: criteria provided, multiple submitters, no conflicts (2 of 4 stars). 3 submissions from 3 submitters: Likely benign (3). Last evaluated 2022-11-01.

Conditions:
Hereditary cancer-predisposing syndrome. Also called: Hereditary neoplastic syndrome; Neoplastic Syndromes, Hereditary; Tumor predisposition; Hereditary Cancer Syndrome. Identifiers: Orphanet 140162, MedGen C0027672, MeSH D009386, MONDO:0015356.
Microcephaly, normal intelligence and immunodeficiency (NBS). Also called: IMMUNODEFICIENCY, MICROCEPHALY, AND CHROMOSOMAL INSTABILITY; SEEMANOVA SYNDROME II; Nijmegen breakage syndrome; Microcephaly with normal intelligence immunodeficiency and lymphoreticular malignancies; Nonsyndromal microcephaly autosomal recessive with normal intelligence; Seemanova syndrome 2. Identifiers: Orphanet 647, MedGen C0398791, MONDO:0009623, OMIM 251260.

Allele frequency attached by ClinVar (database versions not stated): gnomAD exomes below 0.00001 and 0.00002.
gnomAD v4.1: 16 of 1,612,928 alleles (0.00099%); highest among the groups gnomAD compares: Non-Finnish European, 0.0014%; no homozygotes.

Submissions (3):

Labcorp Genetics (formerly Invitae), Labcorp
Classification: Likely benign for Microcephaly, normal intelligence and immunodeficiency. Last evaluated: 2022-11-01. Review status: criteria provided, single submitter. Criteria: Invitae Variant Classification Sherloc (09022015). Collection method: clinical testing. Allele origin: germline.

GeneDx
Classification: Likely benign. Last evaluated: 2017-03-24. Review status: criteria provided, single submitter. Criteria: GeneDx Variant Classification (06012015). Collection method: clinical testing. Allele origin: germline. Affected: yes.
Comment: This variant is considered likely benign or benign based on one or more of the following criteria: it is a conservative change, it occurs at a poorly conserved position in the protein, it is predicted to be benign by multiple in silico algorithms, and/or has population frequency not consistent with disease.

Ambry Genetics
Classification: Likely benign for Hereditary cancer-predisposing syndrome. Last evaluated: 2016-01-06. Review status: criteria provided, single submitter. Criteria: Ambry Variant Classification Scheme 2023. Collection method: clinical testing. Allele origin: germline.